The following is an entry in ClinVar:

NM_000530.8(MPZ):c.233C>A (p.Ser78Ter)

Gene: MPZ (myelin protein zero; minus strand). Cytogenetic location: 1q23.3.
Variant type: single nucleotide variant.
Coding change: c.233C>A on transcript NM_000530.8 (MANE Select); coding-DNA position 233, C replaced by A.
Protein change: p.Ser78Ter; replaces serine 78 with a stop codon.
Molecular consequence: nonsense.
Genome position (GRCh38, 1-based): chr1:161,307,259, G>T on the plus strand (C>A on the coding strand, the complement: MPZ is on the minus strand). VCF-style: chr1-161307259-G-T. GRCh37 (hg19) VCF-style: chr1-161277049-G-T.
Other names: c.233C>A, p.Ser78Ter (NM_001315491.2); short protein forms S78*.
Identifiers: ClinVar variation 3377483 (VCV003377483.1).

ClinVar aggregate classification (germline): Pathogenic (1 of 4 stars; one submission).

Conditions:
Charcot-Marie-Tooth disease. Also called: Charcot-Marie-Tooth Hereditary Neuropathy; Charcot-Marie-Tooth Neuropathy. Identifiers: Orphanet 166, MedGen C0007959, MONDO:0015626.

Submission:

Victorian Clinical Genetics Services, Murdoch Childrens Research Institute
Classification: Pathogenic for Charcot-Marie-Tooth disease. Last evaluated: 2020-05-21. Review status: criteria provided, single submitter. Criteria: ACMG Guidelines, 2015. Collection method: clinical testing. Allele origin: germline.
Comment: A heterozygous nonsense variant was identified, NM_000530.8(MPZ):c.233C>A in exon 2 of 6 of the MPZ gene. This nonsense variant is predicted to create a change of a serine to a stop at amino acid position 78 of the protein; NP_000521.2(MPZ):p.(Ser78*), resulting in the loss of normal protein function through nonsense-mediated decay (NMD). This variant is also predicted to create a splice site change leading to aberrant splicing. Further testing via RNA studies are required to confirm if splicing is altered. The nucleotide at this position has high conservation (PhyloP UCSC). In silico software predictions on splicing are conflicting (NetGene2, Fruit fly, Human Splicing Finder). The variant is not present in the gnomAD population database, and has not been previously reported in clinical cases. Other variants predicted to cause NMD have been reported as pathogenic in individuals with Charcot-Marie-Tooth disease (ClinVar; DiVincenzo, C. et al. (2014); Miltenberger-Miltenyi, G. et al. (2009)). Based on information available at the time of curation, this variant has been classified as PATHOGENIC.

Literature cited by the submitters: PubMed 19259128; PubMed 25614874.